The following is an entry in ClinVar:

NM_000093.5(COL5A1):c.4814C>T (p.Ala1605Val)

Genes: COL5A1 (collagen type V alpha 1 chain; plus strand), LOC101448202 (uncharacterized LOC101448202; minus strand). Cytogenetic location: 9q34.3.
Variant type: single nucleotide variant.
Coding change: c.4814C>T on transcript NM_000093.5 (MANE Select); coding-DNA position 4814, C replaced by T.
Protein change: p.Ala1605Val; replaces alanine 1605 with valine.
Molecular consequence: missense variant.
Genome position (GRCh38, 1-based): chr9:134,824,715, C>T. VCF-style: chr9-134824715-C-T. GRCh37 (hg19) VCF-style: chr9-137716561-C-T.
Other names: p.A1605V:GCG>GTG; c.4814C>T, p.Ala1605Val (NM_001278074.1); short protein forms A1605V.
Identifiers: ClinVar variation 212992 (VCV000212992.22), dbSNP rs145175057, ClinGen allele CA324096.

ClinVar aggregate classification (germline): Likely benign. Review status: criteria provided, multiple submitters, no conflicts (2 of 4 stars). 5 submissions from 5 submitters: Likely benign (4). 1 of the submissions does not count toward it. Last evaluated 2025-12-23.

Conditions:
COL5A1-related disorder. Also called: COL5A1-related condition.
Ehlers-Danlos syndrome, classic type, 1 (EDSCL1). Also called: EHLERS-DANLOS SYNDROME, GRAVIS TYPE; EHLERS-DANLOS SYNDROME, SEVERE CLASSIC TYPE; Ehlers-Danlos syndrome, type 1; Ehlers-Danlos Syndrome, Classic Type, COL5A1-Related; EDS I. Identifiers: MedGen C0268335, MONDO:0019567, OMIM 130000.
Familial thoracic aortic aneurysm and aortic dissection (TAAD). Also called: Thoracic aortic aneurysms and dissections. Identifiers: Orphanet 91387, MedGen C4707243, MONDO:0019625.

Allele frequency attached by ClinVar (database versions not stated): ExAC 0.00012; 1000 Genomes Project 30x 0.00016; 1000 Genomes Project 0.00020; ESP Exome Variant Server 0.00031; gnomAD 0.00031 and 0.00034; TOPMed 0.00033.
gnomAD v4.1: 108 of 1,614,198 alleles (0.0067%); highest among the groups gnomAD compares: African/African-American, 0.11%; no homozygotes.

Submissions (5):

Labcorp Genetics (formerly Invitae), Labcorp
Classification: Likely benign for Ehlers-Danlos syndrome, classic type, 1. Last evaluated: 2025-12-23. Review status: criteria provided, single submitter. Criteria: Invitae Variant Classification Sherloc (09022015). Collection method: clinical testing. Allele origin: germline.

Blueprint Genetics
Classification: Likely benign. Last evaluated: 2024-09-23. Review status: criteria provided, single submitter. Criteria: ACMG Guidelines, 2015. Collection method: clinical testing. Allele origin: germline.

GeneDx
Classification: Likely benign. Last evaluated: 2020-04-15. Review status: criteria provided, single submitter. Criteria: GeneDx Variant Classification Process June 2021. Collection method: clinical testing. Allele origin: germline. Affected: yes.
Comment: Has not been previously published as pathogenic or benign to our knowledge; Not located in the triple helical region, where the majority of pathogenic missense variants occur (Symoens et al., 2012; Stenson et al., 2014)

Ambry Genetics
Classification: Likely benign for Familial thoracic aortic aneurysm and aortic dissection. Last evaluated: 2018-02-02. Review status: criteria provided, single submitter. Criteria: Ambry Variant Classification Scheme 2023. Collection method: clinical testing. Allele origin: germline.

PreventionGenetics, part of Exact Sciences
Classification: Likely benign for COL5A1-related condition. Last evaluated: 2022-02-25. Review status: no assertion criteria provided. Collection method: clinical testing. Allele origin: germline. Not counted in ClinVar's aggregate classification.
Comment: This variant is classified as likely benign based on ACMG/AMP sequence variant interpretation guidelines (Richards et al. 2015 PMID: 25741868, with internal and published modifications).